The following is an entry in ClinVar:

NM_000051.4(ATM):c.4685del (p.Leu1561_Leu1562insTer)

Gene: ATM (ATM serine/threonine kinase; plus strand). Cytogenetic location: 11q22.3.
Variant type: Deletion.
Coding change: c.4685del on transcript NM_000051.4 (MANE Select); coding-DNA position 4685, one base deleted (T; older notation c.4685delT).
Protein change: p.Leu1561_Leu1562insTer.
Molecular consequence: nonsense.
Genome position (GRCh38, 1-based): chr11:108,293,386, T deleted; the last of 4 consecutive T bases (chr11:108,293,383-108,293,386); deleting any one gives the same sequence. VCF-style (leftmost placement, unchanged base first): chr11-108293382-CT-C. GRCh37 (hg19) VCF-style: chr11-108164109-CT-C.
Other names: c.4685del, p.Leu1561_Leu1562insTer (NM_001351834.2).
Identifiers: ClinVar variation 2056136 (VCV002056136.4), dbSNP rs2546931180, ClinGen allele CA2574971018.
Genomic context (GRCh38, chr11:108,293,382, plus strand): 5'-TTGTTGAAATACTTAGTGATAGATAACAAGGATAATGAAAACCTCTATATCACGATTAAG[CT>C]TTTAGATCCTTTTCCTGACCATGTTGTTTTTAAGGATTTGCGTATTACTCAGCAAAAAAT-3'

ClinVar aggregate classification (germline): Pathogenic (1 of 4 stars; one submission).

Conditions:
Ataxia-telangiectasia syndrome (AT). Also called: ATAXIA-TELANGIECTASIA, COMPLEMENTATION GROUP A; ATAXIA-TELANGIECTASIA, FRESNO VARIANT; Ataxia-telangiectasia; Ataxia telangiectasia (A-T); Ataxia-telangiectasia, complementation group E; Cerebello-oculocutaneous telangiectasia. Identifiers: Orphanet 100, MedGen C0004135, MONDO:0008840, OMIM 208900.

Submission:

Labcorp Genetics (formerly Invitae), Labcorp
Classification: Pathogenic for Ataxia-telangiectasia syndrome. Last evaluated: 2021-12-23. Review status: criteria provided, single submitter. Criteria: Invitae Variant Classification Sherloc (09022015). Collection method: clinical testing. Allele origin: germline.
Comment: This sequence change creates a premature translational stop signal (p.Leu1562*) in the ATM gene. It is expected to result in an absent or disrupted protein product. Loss-of-function variants in ATM are known to be pathogenic (PMID: 23807571, 25614872). This variant is not present in population databases (gnomAD no frequency). This variant has not been reported in the literature in individuals affected with ATM-related conditions. For these reasons, this variant has been classified as Pathogenic.

Literature cited by the submitters: PubMed 23807571; PubMed 25614872.